The following is an entry in ClinVar:

NM_001430.5(EPAS1):c.238G>A (p.Glu80Lys)

Gene: EPAS1 (endothelial PAS domain protein 1; plus strand). Cytogenetic location: 2p21.
Variant type: single nucleotide variant.
Coding change: c.238G>A on transcript NM_001430.5 (MANE Select); coding-DNA position 238, G replaced by A.
Protein change: p.Glu80Lys; replaces glutamic acid 80 with lysine.
Molecular consequence: missense variant.
Genome position (GRCh38, 1-based): chr2:46,356,171, G>A. VCF-style: chr2-46356171-G-A. GRCh37 (hg19) VCF-style: chr2-46583310-G-A.
Other names: short protein forms E80K.
Identifiers: ClinVar variation 898828 (VCV000898828.9), dbSNP rs770783327, ClinGen allele CA1644587.

ClinVar aggregate classification (germline): Conflicting classifications of pathogenicity. Review status: criteria provided, conflicting classifications (1 of 4 stars). 3 submissions from 3 submitters: Uncertain significance (1); Likely benign (2). Last evaluated 2023-11-15.

Conditions:
Inborn genetic diseases. Identifiers: MedGen C0950123, MeSH D030342.
Erythrocytosis, familial, 4 (ECYT4). Identifiers: Orphanet 247511, MedGen C2673187, MONDO:0012729, OMIM 611783.

Allele frequency attached by ClinVar (database versions not stated): gnomAD 0.00004; ExAC 0.00007; gnomAD exomes 0.00008 and 0.00007.

Submissions (3):

Labcorp Genetics (formerly Invitae), Labcorp
Classification: Uncertain significance. Last evaluated: 2023-11-15. Review status: criteria provided, single submitter. Criteria: Invitae Variant Classification Sherloc (09022015). Collection method: clinical testing. Allele origin: germline.
Comment: This sequence change replaces glutamic acid, which is acidic and polar, with lysine, which is basic and polar, at codon 80 of the EPAS1 protein (p.Glu80Lys). This variant is present in population databases (rs770783327, gnomAD 0.01%). This variant has not been reported in the literature in individuals affected with EPAS1-related conditions. ClinVar contains an entry for this variant (Variation ID: 898828). An algorithm developed to predict the effect of missense changes on protein structure and function (PolyPhen-2) suggests that this variant is likely to be tolerated. In summary, the available evidence is currently insufficient to determine the role of this variant in disease. Therefore, it has been classified as a Variant of Uncertain Significance.

Ambry Genetics
Classification: Likely benign for Inborn genetic diseases. Last evaluated: 2023-07-12. Review status: criteria provided, single submitter. Criteria: Ambry Variant Classification Scheme 2023. Collection method: clinical testing. Allele origin: germline.

Illumina Laboratory Services, Illumina
Classification: Likely benign for Erythrocytosis, familial, 4. Last evaluated: 2018-03-06. Review status: criteria provided, single submitter. Criteria: ICSL Variant Classification Criteria 13 December 2019. Collection method: clinical testing. Allele origin: germline.
Comment: This variant was observed in the ICSL laboratory as part of a predisposition screen in an ostensibly healthy population. It had not been previously curated by ICSL or reported in the Human Gene Mutation Database (HGMD: prior to June 1st, 2018), and was therefore a candidate for classification through an automated scoring system. Utilizing variant allele frequency, disease prevalence and penetrance estimates, and inheritance mode, an automated score was calculated to assess if this variant is too frequent to cause the disease. Based on the score and internal cut-off values, a variant classified as likely benign is not then subjected to further curation. The score for this variant resulted in a classification of likely benign for this disease.